The following is an entry in ClinVar:

ClinVar aggregate classification (germline): Benign/Likely benign. Review status: criteria provided, multiple submitters, no conflicts (2 of 4 stars). 5 submissions from 5 submitters: Benign (1); Likely benign (3). 1 of the submissions does not count toward it. Last evaluated 2026-01-11.

Conditions:
Renal cell carcinoma. Identifiers: Orphanet 217071, MedGen C0007134, MeSH D002292, MONDO:0005086, HP:0005584.
MET-related disorder. Also called: MET-related condition.
Hereditary cancer-predisposing syndrome. Also called: Tumor predisposition; Hereditary Cancer Syndrome; Hereditary neoplastic syndrome; Neoplastic Syndromes, Hereditary. Identifiers: Orphanet 140162, MedGen C0027672, MeSH D009386, MONDO:0015356.
Papillary renal cell carcinoma type 1 (RCCP1). Also called: RENAL CELL CARCINOMA, PAPILLARY, 1, SOMATIC; Renal adenocarcinoma; Renal cell carcinoma 1; Renal cell carcinoma, somatic. Identifiers: Orphanet 47044, MedGen C1336839, OMIM 605074, HP:0011797.

Allele frequency attached by ClinVar (database versions not stated): gnomAD exomes 0.00001; TOPMed 0.00002.
gnomAD v4.1: 9 of 1,613,870 alleles (0.00056%); highest among the groups gnomAD compares: Admixed American, 0.0017%; no homozygotes.

Submissions (5):

Labcorp Genetics (formerly Invitae), Labcorp
Classification: Likely benign for Renal cell carcinoma. Last evaluated: 2026-01-11. Review status: criteria provided, single submitter. Criteria: Invitae Variant Classification Sherloc (09022015). Collection method: clinical testing. Allele origin: germline.

Myriad Genetics, Inc.
Classification: Benign for Papillary renal cell carcinoma type 1. Last evaluated: 2024-11-05. Review status: criteria provided, single submitter. Criteria: Myriad Autosomal Dominant, Autosomal Recessive and X-Linked Classification Criteria (2023). Collection method: clinical testing. Allele origin: unknown.
Comment: This variant is considered benign. This variant is a silent/synonymous amino acid change and it is not expected to impact splicing.

GeneDx
Classification: Likely benign. Last evaluated: 2018-03-20. Review status: criteria provided, single submitter. Criteria: GeneDx Variant Classification (06012015). Collection method: clinical testing. Allele origin: germline. Affected: yes.
Comment: This variant is considered likely benign or benign based on one or more of the following criteria: it is a conservative change, it occurs at a poorly conserved position in the protein, it is predicted to be benign by multiple in silico algorithms, and/or has population frequency not consistent with disease.

Ambry Genetics
Classification: Likely benign for Hereditary cancer-predisposing syndrome. Last evaluated: 2016-06-10. Review status: criteria provided, single submitter. Criteria: Ambry Variant Classification Scheme 2023. Collection method: clinical testing. Allele origin: germline.

PreventionGenetics, part of Exact Sciences
Classification: Likely benign for MET-related condition. Last evaluated: 2024-08-07. Review status: no assertion criteria provided. Collection method: clinical testing. Allele origin: germline. Not counted in ClinVar's aggregate classification.
Comment: This variant is classified as likely benign based on ACMG/AMP sequence variant interpretation guidelines (Richards et al. 2015 PMID: 25741868, with internal and published modifications).

NM_000245.4(MET):c.99C>T (p.Ser33=)

Gene: MET (MET proto-oncogene, receptor tyrosine kinase; plus strand). Cytogenetic location: 7q31.2.
Variant type: single nucleotide variant.
Coding change: c.99C>T on transcript NM_000245.4 (MANE Select); coding-DNA position 99, C replaced by T.
Protein change: p.Ser33=; no amino-acid change (serine 33 retained).
Molecular consequence: synonymous variant. On other transcripts: intron variant (1).
Genome position (GRCh38, 1-based): chr7:116,699,183, C>T. VCF-style: chr7-116699183-C-T. GRCh37 (hg19) VCF-style: chr7-116339237-C-T.
Other names: c.99C>T (NM_001127500.2); c.99C>T, p.Ser33= (NM_001127500.3, NM_001324401.3); c.-91+26606C>T (NM_001324402.2).
Identifiers: ClinVar variation 485740 (VCV000485740.19), dbSNP rs1363905218, ClinGen allele CA457447941.